The following is an entry in ClinVar:

NM_000092.5(COL4A4):c.4124_4125del (p.Cys1375fs)

Gene: COL4A4 (collagen type IV alpha 4 chain; minus strand). Cytogenetic location: 2q36.3.
Variant type: Deletion.
Coding change: c.4124_4125del on transcript NM_000092.5 (MANE Select); coding-DNA positions 4124 to 4125, 2 bases deleted (GT; older notation c.4124_4125delGT).
Protein change: p.Cys1375fs; shifts the reading frame from cysteine 1375.
Molecular consequence: frameshift variant.
Genome position (GRCh38, 1-based): chr2:227,022,139-227,022,140, AC deleted on the plus strand (GT on the coding strand, the reverse complement: COL4A4 is on the minus strand); deleting any 2 consecutive bases within chr2:227,022,139-227,022,141 gives the same sequence; the c. name uses the placement nearest the transcript's 3' end. VCF-style (leftmost placement, unchanged base first): chr2-227022138-GAC-G. GRCh37 (hg19) VCF-style: chr2-227886854-GAC-G.
Other names: short protein forms C1375fs.
Identifiers: ClinVar variation 5018523 (VCV005018523.2).
Genomic context (GRCh38, chr2:227,022,138, plus strand): 5'-GCCCCATGGCTCCTTCTGGTCCTCTCATGCCTGGCGCCCCAGGAAGGCCTGGGATTCGGG[GAC>G]AGTCATCCACATCTGCAGGTGGCCCCGGTTCACCTGAAATTGGAATCACCGCTTGTGTAA-3'

ClinVar aggregate classification (germline): Likely pathogenic (1 of 4 stars; one submission).

Conditions:
Hematuria, benign familial, 1 (BFH1). Also called: THIN MEMBRANE NEPHROPATHY. Identifiers: MedGen CN376803, MONDO:0007709, OMIM 141200.
Autosomal recessive Alport syndrome (ATS2). Also called: ALPORT SYNDROME 2, AUTOSOMAL RECESSIVE; COL4A3-Related Nephropathy; Alport syndrome type 2; COL4A4 Alport Syndrome and Thin Basement Membrane Nephropathy. Identifiers: Orphanet 63, Orphanet 88919, MedGen C4746745, MONDO:0008762, OMIM 203780.

Submission:

Juno Genomics, Hangzhou Juno Genomics, Inc
Classification: Likely pathogenic for Hematuria, benign familial, 1; Autosomal recessive Alport syndrome. Review status: criteria provided, single submitter. Criteria: ACMG Guidelines, 2015. Collection method: clinical testing. Allele origin: germline.
Comment: Absent from controls (or at extremely low frequency if recessive) in Genome Aggregation Database.;Null variant in a gene where loss of function (LOF) is a known mechanism of disease.